The following is an entry in ClinVar:

NM_138576.4(BCL11B):c.1005G>A (p.Met335Ile)

Gene: BCL11B (BCL11 transcription factor B; minus strand). Cytogenetic location: 14q32.2.
Variant type: single nucleotide variant.
Coding change: c.1005G>A on transcript NM_138576.4 (MANE Select); coding-DNA position 1005, G replaced by A.
Protein change: p.Met335Ile; replaces methionine 335 with isoleucine.
Molecular consequence: missense variant.
Genome position (GRCh38, 1-based): chr14:99,175,831, C>T on the plus strand (G>A on the coding strand, the complement: BCL11B is on the minus strand). VCF-style: chr14-99175831-C-T. GRCh37 (hg19) VCF-style: chr14-99642168-C-T.
Other names: c.1002G>A, p.Met334Ile (NM_001282237.2); c.789G>A, p.Met263Ile (NM_001282238.2); c.792G>A, p.Met264Ile (NM_022898.3); short protein forms M334I, M263I, M264I, M335I.
Identifiers: ClinVar variation 1357687 (VCV001357687.8), dbSNP rs1886500457, ClinGen allele CA390936314.

ClinVar aggregate classification (germline): Uncertain significance (1 of 4 stars; one submission).

Allele frequency attached by ClinVar (database versions not stated): TOPMed below 0.00001.

Submission:

Labcorp Genetics (formerly Invitae), Labcorp
Classification: Uncertain significance. Last evaluated: 2022-08-31. Review status: criteria provided, single submitter. Criteria: Invitae Variant Classification Sherloc (09022015). Collection method: clinical testing. Allele origin: germline.
Comment: In summary, the available evidence is currently insufficient to determine the role of this variant in disease. Therefore, it has been classified as a Variant of Uncertain Significance. Algorithms developed to predict the effect of missense changes on protein structure and function are either unavailable or do not agree on the potential impact of this missense change (SIFT: "Deleterious"; PolyPhen-2: "Benign"; Align-GVGD: "Class C0"). ClinVar contains an entry for this variant (Variation ID: 1357687). This variant has not been reported in the literature in individuals affected with BCL11B-related conditions. This variant is not present in population databases (gnomAD no frequency). This sequence change replaces methionine, which is neutral and non-polar, with isoleucine, which is neutral and non-polar, at codon 335 of the BCL11B protein (p.Met335Ile).